The following is an entry in ClinVar:

NM_176824.3(BBS7):c.1654dup (p.Thr552fs)

Gene: BBS7 (Bardet-Biedl syndrome 7; minus strand). Cytogenetic location: 4q27.
Variant type: Duplication.
Coding change: c.1654dup on transcript NM_176824.3 (MANE Select); coding-DNA position 1654, one base duplicated (A; older notation c.1654dupA).
Protein change: p.Thr552fs; shifts the reading frame from threonine 552.
Molecular consequence: frameshift variant.
Genome position (GRCh38, 1-based): chr4:121,833,253, T duplicated on the plus strand (A on the coding strand, the reverse complement: BBS7 is on the minus strand). VCF-style (leftmost placement, unchanged base first): chr4-121833252-G-GT. GRCh37 (hg19) VCF-style: chr4-122754407-G-GT.
Other names: c.1654dup, p.Thr552fs (NM_018190.4); short protein forms T552fs.
Identifiers: ClinVar variation 937093 (VCV000937093.10), dbSNP rs773052355, ClinGen allele CA3064173.
Genomic context (GRCh38, chr4:121,833,252, plus strand): 5'-TAAAACAACACTTGTGAACCAGTAATAAGTTAGATTTACCTGTAGGTACTTTCAAGTTGT[G>GT]TATCTAGAAAGGTGTTCTGAAAGTAAAATGTCACACATTCTCCTGCTGGAGGTTTTTCTG-3'

ClinVar aggregate classification (germline): Pathogenic/Likely pathogenic. Review status: criteria provided, multiple submitters, no conflicts (2 of 4 stars). 3 submissions from 3 submitters: Pathogenic (1); Likely pathogenic (2). Last evaluated 2025-12-22.

Conditions:
Bardet-Biedl syndrome (BBS). Identifiers: Orphanet 110, MedGen C0752166, MONDO:0015229.
Bardet-Biedl syndrome 7 (BBS7). Identifiers: Orphanet 110, MedGen C1859565, MONDO:0014435, OMIM 615984.

Allele frequency attached by ClinVar (database versions not stated): ExAC 0.00001; gnomAD exomes 0.00001 and 0.00002; TOPMed 0.00002; gnomAD 0.00003; ESP Exome Variant Server 0.00008.

Submissions (3):

Labcorp Genetics (formerly Invitae), Labcorp
Classification: Pathogenic for Bardet-Biedl syndrome. Last evaluated: 2025-12-22. Review status: criteria provided, single submitter. Criteria: Invitae Variant Classification Sherloc (09022015). Collection method: clinical testing. Allele origin: germline.
Comment: This sequence change creates a premature translational stop signal (p.Thr552Asnfs*4) in the BBS7 gene. It is expected to result in an absent or disrupted protein product. Loss-of-function variants in BBS7 are known to be pathogenic (PMID: 12567324, 19402160, 21209035, 31196119). This variant is present in population databases (rs773052355, gnomAD 0.002%). This variant has not been reported in the literature in individuals affected with BBS7-related conditions. ClinVar contains an entry for this variant (Variation ID: 937093). For these reasons, this variant has been classified as Pathogenic.

Baylor Genetics
Classification: Likely pathogenic for Bardet-Biedl syndrome 7. Last evaluated: 2024-03-28. Review status: criteria provided, single submitter. Criteria: ACMG Guidelines, 2015. Collection method: clinical testing. Allele origin: unknown.

Fulgent Genetics
Classification: Likely pathogenic for Bardet-Biedl syndrome 7. Last evaluated: 2024-02-05. Review status: criteria provided, single submitter. Criteria: ACMG Guidelines, 2015. Collection method: clinical testing. Allele origin: germline.

Literature cited by the submitters: PubMed 12567324 (cited by Labcorp Genetics (formerly Invitae), Labcorp); PubMed 19402160 (cited by Labcorp Genetics (formerly Invitae), Labcorp); PubMed 21209035 (cited by Labcorp Genetics (formerly Invitae), Labcorp); PubMed 31196119 (cited by Labcorp Genetics (formerly Invitae), Labcorp).